The following is an entry in ClinVar:

ClinVar aggregate classification (germline): Uncertain significance (1 of 4 stars; one submission).

Allele frequency attached by ClinVar (database versions not stated): gnomAD exomes below 0.00001.

Submission:

Labcorp Genetics (formerly Invitae), Labcorp
Classification: Uncertain significance. Last evaluated: 2025-08-15. Review status: criteria provided, single submitter. Criteria: Invitae Variant Classification Sherloc (09022015). Collection method: clinical testing. Allele origin: germline.
Comment: This variant, c.358_360del, results in the deletion of 1 amino acid(s) of the MERTK protein (p.Pro120del), but otherwise preserves the integrity of the reading frame. This variant is present in population databases (no rsID available, gnomAD 0.0009%). This variant has not been reported in the literature in individuals affected with MERTK-related conditions. ClinVar contains an entry for this variant (Variation ID: 1500834). Experimental studies and prediction algorithms are not available or were not evaluated, and the functional significance of this variant is currently unknown. In summary, the available evidence is currently insufficient to determine the role of this variant in disease. Therefore, it has been classified as a Variant of Uncertain Significance.

NM_006343.3(MERTK):c.358_360del (p.Pro120del)

Gene: MERTK (MER proto-oncogene, tyrosine kinase; plus strand). Cytogenetic location: 2q13.
Variant type: Deletion.
Coding change: c.358_360del on transcript NM_006343.3 (MANE Select); coding-DNA positions 358 to 360, 3 bases deleted (CCT; older notation c.358_360delCCT).
Protein change: p.Pro120del; deletes proline 120.
Molecular consequence: inframe deletion.
Genome position (GRCh38, 1-based): chr2:111,929,416-111,929,418, CCT deleted. VCF-style (leftmost placement, unchanged base first): chr2-111929415-ACCT-A. GRCh37 (hg19) VCF-style: chr2-112686992-ACCT-A.
Other names: short protein forms P120del.
Identifiers: ClinVar variation 1500834 (VCV001500834.8), dbSNP rs1404812646, ClinGen allele CA428548513.